The following is an entry in ClinVar:

ClinVar aggregate classification (germline): Pathogenic (1 of 4 stars; one submission).

Conditions:
Combined immunodeficiency with skin granulomas. Identifiers: Orphanet 157949, MedGen C2673536, MONDO:0009306, OMIM 233650.
Severe combined immunodeficiency, autosomal recessive, T cell-negative, B cell-negative, NK cell-positive. Also called: SCID, T CELL-NEGATIVE, B CELL-NEGATIVE, NK CELL-POSITIVE; SCID, AR, T-cell negative, B-cell negative, NK cell-positive; Severe combined immunodeficiency due to complete RAG1/2 deficiency. Identifiers: Orphanet 331206, MedGen C1832322, MONDO:0011086, OMIM 601457.

Submission:

Labcorp Genetics (formerly Invitae), Labcorp
Classification: Pathogenic for Combined immunodeficiency with skin granulomas; Severe combined immunodeficiency, autosomal recessive, T cell-negative, B cell-negative, NK cell-positive. Last evaluated: 2021-08-20. Review status: criteria provided, single submitter. Criteria: Invitae Variant Classification Sherloc (09022015). Collection method: clinical testing. Allele origin: germline.
Comment: A gross deletion of the genomic region encompassing the full coding sequence of the RAG1 gene has been identified. Loss-of-function variants in RAG1 are known to be pathogenic (PMID: 11133745, 24290284). The boundaries of this event are unknown as they extend beyond the assayed region for this gene and therefore may encompass additional genes. Isolated whole-gene deletions of RAG1 have not been reported in the literature. However, larger copy number events that include this gene have been reported (PMID: 8810255, 25739914). For these reasons, this variant has been classified as Pathogenic.

Literature cited by the submitters: PubMed 11133745; PubMed 24290284; PubMed 8810255; PubMed 25739914.

NC_000011.10:g.(?_36573285)_(36598102_?)del

Genes: RAG1 (recombination activating 1; plus strand), RAG2 (recombination activating 2; minus strand), IFTAP (intraflagellar transport associated protein; plus strand). Cytogenetic location: 11p12.
Variant type: Deletion.
Identifiers: ClinVar variation 831224 (VCV000831224.6).